The following is an entry in ClinVar:

ClinVar aggregate classification (germline): Uncertain significance. Review status: criteria provided, single submitter (1 of 4 stars). 2 submissions from 2 submitters: Uncertain significance (1). 1 of the submissions does not count toward it. Last evaluated 2022-08-31.

Conditions:
Charcot-Marie-Tooth disease type 4. Also called: Charcot-Marie-Tooth disease, type IV; Charcot-Marie-Tooth, Type 4. Identifiers: Orphanet 64749, MedGen C4082197, MONDO:0018995.
Charcot-Marie-Tooth disease type 4D. Also called: CHARCOT-MARIE-TOOTH DISEASE, DEMYELINATING, TYPE 4D; NEUROPATHY, HEREDITARY MOTOR AND SENSORY, LOM TYPE; CHARCOT-MARIE-TOOTH DISEASE, DEMYELINATING, AUTOSOMAL RECESSIVE, TYPE 4D; Charcot-Marie-Tooth Neuropathy Type 4D. Identifiers: Orphanet 99950, MedGen C1832334, MONDO:0011085, OMIM 601455.

Allele frequency attached by ClinVar (database versions not stated): TOPMed 0.00001; gnomAD 0.00002; gnomAD exomes 0.00002; ExAC 0.00003.
gnomAD v4.1: 32 of 1,614,070 alleles (0.002%); highest among the groups gnomAD compares: Middle Eastern, 0.049%; no homozygotes.

Submissions (2):

Labcorp Genetics (formerly Invitae), Labcorp
Classification: Uncertain significance for Charcot-Marie-Tooth disease type 4. Last evaluated: 2022-08-31. Review status: criteria provided, single submitter. Criteria: Invitae Variant Classification Sherloc (09022015). Collection method: clinical testing. Allele origin: germline.
Comment: This sequence change replaces proline, which is neutral and non-polar, with leucine, which is neutral and non-polar, at codon 244 of the NDRG1 protein (p.Pro244Leu). This variant is present in population databases (rs748984505, gnomAD 0.008%). This variant has not been reported in the literature in individuals affected with NDRG1-related conditions. ClinVar contains an entry for this variant (Variation ID: 1006402). Algorithms developed to predict the effect of missense changes on protein structure and function are either unavailable or do not agree on the potential impact of this missense change (SIFT: "Tolerated"; PolyPhen-2: "Probably Damaging"; Align-GVGD: "Class C0"). In summary, the available evidence is currently insufficient to determine the role of this variant in disease. Therefore, it has been classified as a Variant of Uncertain Significance.

Natera, Inc.
Classification: Uncertain significance for Charcot-Marie-Tooth disease type 4D. Last evaluated: 2020-03-11. Review status: no assertion criteria provided. Collection method: clinical testing. Allele origin: germline. Not counted in ClinVar's aggregate classification.

NM_006096.4(NDRG1):c.731C>T (p.Pro244Leu)

Genes: NDRG1 (N-myc downstream regulated 1; minus strand), LOC126860531 (CDK7 strongly-dependent group 2 enhancer GRCh37_chr8:134259869-134261068; plus strand). Cytogenetic location: 8q24.22.
Variant type: single nucleotide variant.
Coding change: c.731C>T on transcript NM_006096.4 (MANE Select); coding-DNA position 731, C replaced by T.
Protein change: p.Pro244Leu; replaces proline 244 with leucine.
Molecular consequence: missense variant.
Genome position (GRCh38, 1-based): chr8:133,248,739, G>A on the plus strand (C>T on the coding strand, the complement: NDRG1 is on the minus strand). VCF-style: chr8-133248739-G-A. GRCh37 (hg19) VCF-style: chr8-134260982-G-A.
Other names: c.731C>T, p.Pro244Leu (NM_001135242.2, NM_001374845.1, NM_001374846.1); c.533C>T, p.Pro178Leu (NM_001258432.2, NM_001374847.1); c.488C>T, p.Pro163Leu (NM_001258433.2); c.782C>T, p.Pro261Leu (NM_001374844.1); short protein forms P163L, P178L, P244L, P261L.
Identifiers: ClinVar variation 1006402 (VCV001006402.3), dbSNP rs748984505, ClinGen allele CA4886622.
Genomic context (GRCh38, chr8:133,248,739, plus strand): 5'-CGACTGCAAGTGCTGGGGGAGAGAAAAGCCACTCACTGCAGGGTGACTGTGTGGGTTCCC[G>A]GCATTGGTCGCTCAATCTCCAGGTCGCGCCGGCTGCAGGAAACAAATGCATCATTAGCAT-3'
Protein context (NP_006087.2, residues 234-254): RRDLEIERPM[Pro244Leu]GTHTVTLQCP